The following is an entry in ClinVar:

NM_018089.3(ANKZF1):c.1151T>C (p.Ile384Thr)

Gene: ANKZF1 (ankyrin repeat and zinc finger peptidyl tRNA hydrolase 1; plus strand). Cytogenetic location: 2q35.
Variant type: single nucleotide variant.
Coding change: c.1151T>C on transcript NM_018089.3 (MANE Select); coding-DNA position 1151, T replaced by C.
Protein change: p.Ile384Thr; replaces isoleucine 384 with threonine.
Molecular consequence: missense variant.
Genome position (GRCh38, 1-based): chr2:219,234,235, T>C. VCF-style: chr2-219234235-T-C. GRCh37 (hg19) VCF-style: chr2-220098957-T-C.
Other names: c.1151T>C, p.Ile384Thr (NM_001042410.2); c.521T>C, p.Ile174Thr (NM_001282792.2); short protein forms I174T, I384T.
Identifiers: ClinVar variation 2833234 (VCV002833234.3), dbSNP rs1253965936, ClinGen allele CA350679152.
Genomic context (GRCh38, chr2:219,234,235, plus strand): 5'-CACACTGGAAAACAGTAAGAGAGGAGAGAAAGAAGCCTACTGAGGAAGAAATAAGAAAGA[T>C]CTGCAGGGATGAAAAGGAAGCGCTGGGGCAGAATGAGGAATCTCCCAAACAGGGTTTGAT-3'
Protein context (NP_060559.2, residues 374-394): KKPTEEEIRK[Ile384Thr]CRDEKEALGQ

ClinVar aggregate classification (germline): Uncertain significance (1 of 4 stars; one submission).

Allele frequency attached by ClinVar (database versions not stated): gnomAD exomes below 0.00001; TOPMed below 0.00001.
gnomAD v4.1: 2 of 1,613,982 alleles (0.00012%); highest among the groups gnomAD compares: Non-Finnish European, 0.00017%; no homozygotes.

Submission:

Labcorp Genetics (formerly Invitae), Labcorp
Classification: Uncertain significance. Last evaluated: 2024-03-07. Review status: criteria provided, single submitter. Criteria: Invitae Variant Classification Sherloc (09022015). Collection method: clinical testing. Allele origin: germline.
Comment: This sequence change replaces isoleucine, which is neutral and non-polar, with threonine, which is neutral and polar, at codon 384 of the ANKZF1 protein (p.Ile384Thr). This variant is not present in population databases (gnomAD no frequency). This variant has not been reported in the literature in individuals affected with ANKZF1-related conditions. An algorithm developed to predict the effect of missense changes on protein structure and function (PolyPhen-2) suggests that this variant is likely to be tolerated. In summary, the available evidence is currently insufficient to determine the role of this variant in disease. Therefore, it has been classified as a Variant of Uncertain Significance.